The following is an entry in ClinVar:

NM_005228.5(EGFR):c.2959A>G (p.Met987Val)

Gene: EGFR (epidermal growth factor receptor; plus strand). Cytogenetic location: 7p11.2.
Variant type: single nucleotide variant.
Coding change: c.2959A>G on transcript NM_005228.5 (MANE Select); coding-DNA position 2959, A replaced by G.
Protein change: p.Met987Val; replaces methionine 987 with valine.
Molecular consequence: missense variant.
Genome position (GRCh38, 1-based): chr7:55,201,200, A>G. VCF-style: chr7-55201200-A-G. GRCh37 (hg19) VCF-style: chr7-55268893-A-G.
Other names: c.2824A>G, p.Met942Val (NM_001346897.2, NM_001346899.2); c.2959A>G, p.Met987Val (NM_001346898.2); c.2800A>G, p.Met934Val (NM_001346900.2); c.2158A>G, p.Met720Val (NM_001346941.2); short protein forms M720V, M942V, M934V, M987V.
Identifiers: ClinVar variation 2698296 (VCV002698296.3), dbSNP rs2128971479, ClinGen allele CA367582359.
Genomic context (GRCh38, chr7:55,201,200, plus strand): 5'-ATAGCATCTCTACGGGCCATTCTAATAGCCTCAAAATCTCTGCACCAGGGGGATGAAAGA[A>G]TGCATTTGCCAAGTCCTACAGACTCCAACTTCTACCGTGCCCTGATGGATGAAGAAGACA-3'
Protein context (NP_005219.2, residues 977-997): RYLVIQGDER[Met987Val]HLPSPTDSNF

ClinVar aggregate classification (germline): Uncertain significance (1 of 4 stars; one submission).

Conditions:
EGFR-related lung cancer (EGFR). Identifiers: MedGen CN130014.

Submission:

Labcorp Genetics (formerly Invitae), Labcorp
Classification: Uncertain significance for EGFR-related lung cancer. Last evaluated: 2025-06-03. Review status: criteria provided, single submitter. Criteria: Invitae Variant Classification Sherloc (09022015). Collection method: clinical testing. Allele origin: germline.
Comment: This sequence change replaces methionine, which is neutral and non-polar, with valine, which is neutral and non-polar, at codon 987 of the EGFR protein (p.Met987Val). This variant is not present in population databases (gnomAD no frequency). This variant has not been reported in the literature in individuals affected with EGFR-related conditions. ClinVar contains an entry for this variant (Variation ID: 2698296). Invitae Evidence Modeling of protein sequence and biophysical properties (such as structural, functional, and spatial information, amino acid conservation, physicochemical variation, residue mobility, and thermodynamic stability) indicates that this missense variant is not expected to disrupt EGFR protein function with a negative predictive value of 80%. In summary, the available evidence is currently insufficient to determine the role of this variant in disease. Therefore, it has been classified as a Variant of Uncertain Significance.